The following is an entry in ClinVar:

NM_005732.4(RAD50):c.947G>A (p.Arg316Lys)

Gene: RAD50 (RAD50 double strand break repair protein; plus strand). Cytogenetic location: 5q31.1.
Variant type: single nucleotide variant.
Coding change: c.947G>A on transcript NM_005732.4 (MANE Select); coding-DNA position 947, G replaced by A.
Protein change: p.Arg316Lys; replaces arginine 316 with lysine.
Molecular consequence: missense variant.
Genome position (GRCh38, 1-based): chr5:132,587,985, G>A. VCF-style: chr5-132587985-G-A. GRCh37 (hg19) VCF-style: chr5-131923677-G-A.
Other names: short protein forms R316K.
Identifiers: ClinVar variation 1350528 (VCV001350528.8), dbSNP rs2149840619, ClinGen allele CA360941028.

ClinVar aggregate classification (germline): Uncertain significance (1 of 4 stars; one submission).

Conditions:
Hereditary cancer-predisposing syndrome. Also called: Hereditary neoplastic syndrome; Tumor predisposition; Neoplastic Syndromes, Hereditary; Hereditary Cancer Syndrome. Identifiers: Orphanet 140162, MedGen C0027672, MeSH D009386, MONDO:0015356.

Submission:

Labcorp Genetics (formerly Invitae), Labcorp
Classification: Uncertain significance for Hereditary cancer-predisposing syndrome. Last evaluated: 2021-05-01. Review status: criteria provided, single submitter. Criteria: Invitae Variant Classification Sherloc (09022015). Collection method: clinical testing. Allele origin: germline.
Comment: This sequence change replaces arginine with lysine at codon 316 of the RAD50 protein (p.Arg316Lys). The arginine residue is moderately conserved and there is a small physicochemical difference between arginine and lysine. In summary, the available evidence is currently insufficient to determine the role of this variant in disease. Therefore, it has been classified as a Variant of Uncertain Significance. Algorithms developed to predict the effect of missense changes on protein structure and function (SIFT, PolyPhen-2, Align-GVGD) all suggest that this variant is likely to be tolerated, but these predictions have not been confirmed by published functional studies and their clinical significance is uncertain. This variant has not been reported in the literature in individuals with RAD50-related conditions. This variant is not present in population databases (ExAC no frequency).